The following is an entry in ClinVar:

NM_001458.5(FLNC):c.4977G>C (p.Gln1659His)

Gene: FLNC (filamin C; plus strand). Cytogenetic location: 7q32.1.
Variant type: single nucleotide variant.
Coding change: c.4977G>C on transcript NM_001458.5 (MANE Select); coding-DNA position 4977, G replaced by C.
Protein change: p.Gln1659His; replaces glutamine 1659 with histidine.
Molecular consequence: missense variant.
Genome position (GRCh38, 1-based): chr7:128,849,356, G>C. VCF-style: chr7-128849356-G-C. GRCh37 (hg19) VCF-style: chr7-128489410-G-C.
Other names: c.4977G>C, p.Gln1659His (NM_001127487.2); short protein forms Q1659H.
Identifiers: ClinVar variation 652529 (VCV000652529.11), dbSNP rs1297786780, ClinGen allele CA369203913.

ClinVar aggregate classification (germline): Uncertain significance (1 of 4 stars; one submission).

Conditions:
Hypertrophic cardiomyopathy 26. Also called: Cardiomyopathy, familial hypertrophic, 26. Identifiers: Orphanet 75249, MedGen C4310749, MONDO:0014883, OMIM 617047.
Myofibrillar myopathy 5. Also called: FILAMINOPATHY, AUTOSOMAL DOMINANT; Filaminopathy (type). Identifiers: Orphanet 171445, MedGen C1836050, MONDO:0012289, OMIM 609524.
Distal myopathy with posterior leg and anterior hand involvement. Also called: WILLIAMS DISTAL MYOPATHY. Identifiers: Orphanet 63273, MedGen C3279722, MONDO:0013550, OMIM 614065.

Allele frequency attached by ClinVar (database versions not stated): gnomAD exomes below 0.00001 and 0.00001; gnomAD 0.00001; TOPMed 0.00002.
gnomAD v4.1: 8 of 1,614,010 alleles (0.0005%); highest among the groups gnomAD compares: Non-Finnish European, 0.00068%; no homozygotes.

Submission:

Labcorp Genetics (formerly Invitae), Labcorp
Classification: Uncertain significance for Distal myopathy with posterior leg and anterior hand involvement; Myofibrillar myopathy 5; Hypertrophic cardiomyopathy 26. Last evaluated: 2025-12-14. Review status: criteria provided, single submitter. Criteria: Invitae Variant Classification Sherloc (09022015). Collection method: clinical testing. Allele origin: germline.
Comment: This sequence change replaces glutamine, which is neutral and polar, with histidine, which is basic and polar, at codon 1659 of the FLNC protein (p.Gln1659His). This variant is present in population databases (no rsID available, gnomAD 0.0009%). This missense change has been observed in individual(s) with clinical features of distal myopathy (internal data). ClinVar contains an entry for this variant (Variation ID: 652529). Invitae Evidence Modeling of protein sequence and biophysical properties (such as structural, functional, and spatial information, amino acid conservation, physicochemical variation, residue mobility, and thermodynamic stability) has been performed for this missense variant. However, the output from this modeling did not meet the statistical confidence thresholds required to predict the impact of this variant on FLNC protein function. In summary, the available evidence is currently insufficient to determine the role of this variant in disease. Therefore, it has been classified as a Variant of Uncertain Significance.